The following is an entry in ClinVar:

NM_000548.5(TSC2):c.3398-11C>T

Gene: TSC2 (TSC complex subunit 2; plus strand). Cytogenetic location: 16p13.3.
Variant type: single nucleotide variant.
Coding change: c.3398-11C>T on transcript NM_000548.5 (MANE Select); 11 bases into the intron before coding-DNA position 3398, C replaced by T.
Molecular consequence: intron variant.
Genome position (GRCh38, 1-based): chr16:2,080,154, C>T. VCF-style: chr16-2080154-C-T. GRCh37 (hg19) VCF-style: chr16-2130155-C-T.
Other names: c.3158-11C>T (NM_001318827.2); c.2666-11C>T (NM_001318831.2); c.3122-11C>T (NM_001318829.2); c.3299-11C>T (NM_001318832.2); c.3398-11C>T (NM_001114382.3); c.3269-11C>T (NM_021055.3, NM_001370405.1, NM_001363528.2); c.3266-11C>T (NM_001370404.1, NM_001077183.3).
Identifiers: ClinVar variation 1596517 (VCV001596517.9), dbSNP rs1567503013, ClinGen allele CA620704890.

ClinVar aggregate classification (germline): Likely benign. Review status: criteria provided, multiple submitters, no conflicts (2 of 4 stars). 2 submissions from 2 submitters: Likely benign (2). Last evaluated 2025-08-04.

Conditions:
Tuberous sclerosis 2 (TSC2). Identifiers: Orphanet 805, MedGen C1860707, MONDO:0013199, OMIM 613254.

Allele frequency attached by ClinVar (database versions not stated): gnomAD exomes below 0.00001; TOPMed below 0.00001.
gnomAD v4.1: 3 of 1,612,892 alleles (0.00019%); highest among the groups gnomAD compares: East Asian, 0.0022%; no homozygotes.

Submissions (2):

Labcorp Genetics (formerly Invitae), Labcorp
Classification: Likely benign for Tuberous sclerosis 2. Last evaluated: 2025-08-04. Review status: criteria provided, single submitter. Criteria: Invitae Variant Classification Sherloc (09022015). Collection method: clinical testing. Allele origin: germline.

Myriad Genetics, Inc.
Classification: Likely benign for Tuberous sclerosis 2. Last evaluated: 2025-05-29. Review status: criteria provided, single submitter. Criteria: Myriad Autosomal Dominant, Autosomal Recessive and X-Linked Classification Criteria (2023). Collection method: clinical testing. Allele origin: unknown.
Comment: This variant is considered likely benign. This variant is intronic and is not expected to impact mRNA splicing.